The following is an entry in ClinVar:

NM_152443.3(RDH12):c.377C>T (p.Ala126Val)

Genes: GPHN (gephyrin; plus strand), RDH12 (retinol dehydrogenase 12; plus strand). Cytogenetic location: 14q24.1.
Variant type: single nucleotide variant.
Coding change: c.377C>T on transcript NM_152443.3 (MANE Select); coding-DNA position 377, C replaced by T.
Protein change: p.Ala126Val; replaces alanine 126 with valine.
Molecular consequence: missense variant.
Genome position (GRCh38, 1-based): chr14:67,726,084, C>T. VCF-style: chr14-67726084-C-T. GRCh37 (hg19) VCF-style: chr14-68192801-C-T.
Other names: short protein forms A126V.
Identifiers: ClinVar variation 2061 (VCV000002061.26), dbSNP rs202126574, ClinGen allele CA115315.

ClinVar aggregate classification (germline): Pathogenic/Likely pathogenic. Review status: criteria provided, multiple submitters, no conflicts (2 of 4 stars). 11 submissions from 11 submitters: Pathogenic (6); Likely pathogenic (1). 4 of the submissions do not count toward it. Last evaluated 2026-01-02.

Conditions:
RDH12-related disorder. Also called: RDH12-related condition; RDH12-related disorders.
Retinal dystrophy. Also called: Inherited retinal dystrophy. Identifiers: Orphanet 71862, MedGen C0854723, MeSH D058499, MONDO:0019118, HP:0000556.
Retinitis pigmentosa (RP). Identifiers: Orphanet 791, MedGen C0035334, MeSH D012174, MONDO:0019200, OMIM 268000. Inheritance: Autosomal dominant, autosomal recessive and X linked inheritance.
Leber congenital amaurosis (LCA). Also called: Leber's amaurosis. Identifiers: Orphanet 65, MedGen C0339527, MeSH D057130, MONDO:0018998.
Retinitis pigmentosa 53 (RP53). Identifiers: MedGen C3150208, MONDO:0800348.
Leber congenital amaurosis 13 (LCA13). Identifiers: MedGen C2675186, MONDO:0012990, OMIM 612712.

Allele frequency attached by ClinVar (database versions not stated): ExAC 0.00001; gnomAD exomes 0.00001; TOPMed 0.00002.
gnomAD v4.1: 14 of 1,613,818 alleles (0.00087%); highest among the groups gnomAD compares: East Asian, 0.0067%; no homozygotes.

Submissions (11):

Natera, Inc.
Classification: Pathogenic for Leber congenital amaurosis. Last evaluated: 2026-01-02. Review status: criteria provided, single submitter. Criteria: Natera Variant Classification Schema (03/2026). Collection method: clinical testing. Allele origin: germline.
Comment: The c.377C>T variant in RDH12 is a missense variant predicted to cause substitution of alanine to valine at amino acid 126. This variant is rare in the general population with a frequency below the threshold expected for the associated phenotype(s). This variant has been observed in one or more individuals affected with the associated recessive disease, as either homozygous or compound heterozygous with a second variant (PMID: 19140180, 37322672, 26667666, 33090715, 30372751). This variant has been observed to segregate in affected family members (PMID: 24752437, 19140180). A different variant at the same position has been determined to be Pathogenic or Likely Pathogenic. Computational prediction algorithms indicate this variant is likely to affect gene or protein function. Given the available evidence, this variant is classified as Pathogenic.

Labcorp Genetics (formerly Invitae), Labcorp
Classification: Pathogenic for Leber congenital amaurosis 13. Last evaluated: 2025-11-02. Review status: criteria provided, single submitter. Criteria: Invitae Variant Classification Sherloc (09022015). Collection method: clinical testing. Allele origin: germline.
Comment: This sequence change replaces alanine, which is neutral and non-polar, with valine, which is neutral and non-polar, at codon 126 of the RDH12 protein (p.Ala126Val). This variant is present in population databases (rs202126574, gnomAD 0.006%). This missense change has been observed in individuals with autosomal recessive RDH12-related disease (PMID: 19140180, 30134391). It has also been observed to segregate with disease in related individuals. ClinVar contains an entry for this variant (Variation ID: 2061). Invitae Evidence Modeling of protein sequence and biophysical properties (such as structural, functional, and spatial information, amino acid conservation, physicochemical variation, residue mobility, and thermodynamic stability) indicates that this missense variant is expected to disrupt RDH12 protein function with a positive predictive value of 80%. For these reasons, this variant has been classified as Pathogenic.

PreventionGenetics, part of Exact Sciences
Classification: Pathogenic for RDH12-related condition. Last evaluated: 2025-07-24. Review status: criteria provided, single submitter. Criteria: ACMG Guidelines, 2015. Collection method: clinical testing. Allele origin: germline.
Comment: The RDH12 c.377C>T variant is predicted to result in the amino acid substitution p.Ala126Val. This variant has been reported in individuals with RDH12-related retinal disease (see for examples, Benayoun et al. 2009. PubMed ID: 19140180; Supplemental data 1, Chen et al. 2021. PubMed ID: 33608557). An alternate amino acid change at this position has also been found to be pathogenic for RDH12-related retinal disease (p.Ala126Glu, Supplementary table 1, Stone et al. 2017. PubMed ID: 28559085). This variant is reported in 0.0058% of alleles in individuals of Latino descent in gnomAD. This variant is interpreted as pathogenic.

Blueprint Genetics
Classification: Pathogenic for RDH12-related disorders. Last evaluated: 2024-11-18. Review status: criteria provided, single submitter. Criteria: ACMG Guidelines, 2015. Collection method: clinical testing. Allele origin: germline. Affected: yes. Observed: 5 variant alleles.

Fulgent Genetics
Classification: Pathogenic for Leber congenital amaurosis 13. Last evaluated: 2024-05-16. Review status: criteria provided, single submitter. Criteria: ACMG Guidelines, 2015. Collection method: clinical testing. Allele origin: germline.

GeneDx
Classification: Likely pathogenic. Last evaluated: 2024-05-15. Review status: criteria provided, single submitter. Criteria: GeneDx Variant Classification Process June 2021. Collection method: clinical testing. Allele origin: germline. Affected: yes.
Comment: In silico analysis supports that this missense variant has a deleterious effect on protein structure/function; This variant is associated with the following publications: (PMID: 19140180, 24752437, 26667666, 26261414, 31980526, 31054281, 31456290, 33090715, 33629268, 35006499, 31630094, 33691693, 30134391)

Women's Health and Genetics/Laboratory Corporation of America, LabCorp
Classification: Pathogenic for Leber congenital amaurosis. Last evaluated: 2023-02-28. Review status: criteria provided, single submitter. Criteria: LabCorp Variant Classification Summary - May 2015. Collection method: clinical testing. Allele origin: germline.
Comment: Variant summary: RDH12 c.377C>T (p.Ala126Val) results in a non-conservative amino acid change in the encoded protein sequence. Five of five in-silico tools predict a damaging effect of the variant on protein function. The variant allele was found at a frequency of 1.2e-05 in 251476 control chromosomes. The available data on variant occurrences in the general population are insufficient to allow any conclusion about variant significance. c.377C>T has been reported in the literature in multiple individuals affected with Leber Congenital Amaurosis (e.g., Kuniyoshi_2014, Sharon_2015, Benayoun_2009, Aleman_2018), and the variant was found to segregate with disease in multiple unrelated families. These data indicate that the variant is very likely to be associated with disease. Four ClinVar submitters (evaluation after 2014) have cited the variant, and all laboratories classified the variant as pathogenic (n = 3) or likely pathogenic (n = 1). Based on the evidence outlined above, the variant was classified as pathogenic.

Sharon lab, Hadassah-Hebrew University Medical Center
Classification: Pathogenic for Retinitis pigmentosa. Last evaluated: 2019-06-23. Review status: no assertion criteria provided. Collection method: research. Allele origin: inherited. Affected: yes. Not counted in ClinVar's aggregate classification.

OMIM
Classification: Pathogenic for RETINITIS PIGMENTOSA 53. Last evaluated: 2009-02-15. Review status: no assertion criteria provided. Collection method: literature only. Allele origin: germline. Not counted in ClinVar's aggregate classification.

Department of Ophthalmology and Visual Sciences Kyoto University
Classification: Pathogenic for Retinitis pigmentosa. Review status: no assertion criteria provided. Collection method: not provided. Allele origin: unknown. Not counted in ClinVar's aggregate classification.
ClinVar note: Converted during submission from pathogenic to Pathogenic.

Dept Of Ophthalmology, Nagoya University
Classification: Uncertain significance for Retinal dystrophy. Last evaluated: 2023-10-01. Review status: flagged submission. Criteria: Submitter's publication. Collection method: research. Allele origin: germline. Affected: yes. Not counted in ClinVar's aggregate classification.
ClinVar note: Reason: Outlier claim with insufficient supporting evidence

Literature cited by the submitters: PubMed 19140180 (cited by 4 submitters); PubMed 37322672 (cited by Natera, Inc.); PubMed 26667666 (cited by Natera, Inc.); PubMed 33090715 (cited by Natera, Inc.); PubMed 30372751 (cited by Natera, Inc. and Women's Health and Genetics/Laboratory Corporation of America, LabCorp); PubMed 24752437 (cited by Natera, Inc. and Women's Health and Genetics/Laboratory Corporation of America, LabCorp); PubMed 30134391 (cited by Labcorp Genetics (formerly Invitae), Labcorp); PubMed 26261414 (cited by Women's Health and Genetics/Laboratory Corporation of America, LabCorp); PubMed 27809489 (cited by Women's Health and Genetics/Laboratory Corporation of America, LabCorp).